The following is an entry in ClinVar:

NM_000051.4(ATM):c.4099G>T (p.Asp1367Tyr)

Gene: ATM (ATM serine/threonine kinase; plus strand). Cytogenetic location: 11q22.3.
Variant type: single nucleotide variant.
Coding change: c.4099G>T on transcript NM_000051.4 (MANE Select); coding-DNA position 4099, G replaced by T.
Protein change: p.Asp1367Tyr; replaces aspartic acid 1367 with tyrosine.
Molecular consequence: missense variant.
Genome position (GRCh38, 1-based): chr11:108,287,705, G>T. VCF-style: chr11-108287705-G-T. GRCh37 (hg19) VCF-style: chr11-108158432-G-T.
Other names: c.4099G>T, p.Asp1367Tyr (NM_001351834.2); short protein forms D1367Y.
Identifiers: ClinVar variation 1737799 (VCV001737799.3), dbSNP rs2135737864, ClinGen allele CA382528592.

ClinVar aggregate classification (germline): Uncertain significance. Review status: criteria provided, multiple submitters, no conflicts (2 of 4 stars). 2 submissions from 2 submitters: Uncertain significance (2). Last evaluated 2025-03-06.

Conditions:
Hereditary cancer-predisposing syndrome. Also called: Neoplastic Syndromes, Hereditary; Tumor predisposition; Hereditary Cancer Syndrome; Hereditary neoplastic syndrome. Identifiers: Orphanet 140162, MedGen C0027672, MeSH D009386, MONDO:0015356.

Submissions (2):

Quest Diagnostics Nichols Institute San Juan Capistrano
Classification: Uncertain significance. Last evaluated: 2025-03-06. Review status: criteria provided, single submitter. Criteria: Quest Diagnostics criteria. Collection method: clinical testing. Allele origin: unknown.

Ambry Genetics
Classification: Uncertain significance for Hereditary cancer-predisposing syndrome. Last evaluated: 2021-01-05. Review status: criteria provided, single submitter. Criteria: Ambry Variant Classification Scheme 2023. Collection method: clinical testing. Allele origin: germline.
Comment: The p.D1367Y variant (also known as c.4099G>T), located in coding exon 26 of the ATM gene, results from a G to T substitution at nucleotide position 4099. The aspartic acid at codon 1367 is replaced by tyrosine, an amino acid with highly dissimilar properties. This amino acid position is not well conserved in available vertebrate species. In addition, this alteration is predicted to be tolerated by in silico analysis. Since supporting evidence is limited at this time, the clinical significance of this alteration remains unclear.